The following is an entry in ClinVar:

ClinVar aggregate classification (germline): Uncertain significance (1 of 4 stars; one submission).

gnomAD v4.1: 2 of 1,613,262 alleles (0.00012%); highest among the groups gnomAD compares: Non-Finnish European, 0.000085%; no homozygotes.

Submission:

Labcorp Genetics (formerly Invitae), Labcorp
Classification: Uncertain significance. Last evaluated: 2025-07-14. Review status: criteria provided, single submitter. Criteria: Invitae Variant Classification Sherloc (09022015). Collection method: clinical testing. Allele origin: germline.
Comment: This sequence change replaces valine, which is neutral and non-polar, with isoleucine, which is neutral and non-polar, at codon 260 of the MLC1 protein (p.Val260Ile). This variant is not present in population databases (gnomAD no frequency). This variant has not been reported in the literature in individuals affected with MLC1-related conditions. ClinVar contains an entry for this variant (Variation ID: 1987709). Invitae Evidence Modeling of protein sequence and biophysical properties (such as structural, functional, and spatial information, amino acid conservation, physicochemical variation, residue mobility, and thermodynamic stability) indicates that this missense variant is not expected to disrupt MLC1 protein function with a negative predictive value of 80%. In summary, the available evidence is currently insufficient to determine the role of this variant in disease. Therefore, it has been classified as a Variant of Uncertain Significance.

NM_015166.4(MLC1):c.778G>A (p.Val260Ile)

Gene: MLC1 (modulator of VRAC current 1; minus strand). Cytogenetic location: 22q13.33.
Variant type: single nucleotide variant.
Coding change: c.778G>A on transcript NM_015166.4 (MANE Select); coding-DNA position 778, G replaced by A.
Protein change: p.Val260Ile; replaces valine 260 with isoleucine.
Molecular consequence: missense variant. On other transcripts: non-coding transcript variant (3).
Genome position (GRCh38, 1-based): chr22:50,068,549, C>T on the plus strand (G>A on the coding strand, the complement: MLC1 is on the minus strand). VCF-style: chr22-50068549-C-T. GRCh37 (hg19) VCF-style: chr22-50506978-C-T.
Other names: c.778G>A, p.Val260Ile (NM_001376472.1, NM_001376473.1, NM_001376474.1 and 5 more transcripts); c.721G>A, p.Val241Ile (NM_001376479.1); c.688G>A, p.Val230Ile (NM_001376480.1); c.676G>A, p.Val226Ile (NM_001376481.1); c.622G>A, p.Val208Ile (NM_001376482.1, NM_001376483.1); c.541G>A, p.Val181Ile (NM_001376484.1); short protein forms V181I, V208I, V226I, V241I, V260I, V230I.
Identifiers: ClinVar variation 1987709 (VCV001987709.2), dbSNP rs143061714, ClinGen allele CA412107855.